The following is an entry in ClinVar:

ClinVar aggregate classification (germline): Pathogenic. Review status: criteria provided, multiple submitters, no conflicts (2 of 4 stars). 3 submissions from 3 submitters: Pathogenic (3). Last evaluated 2024-01-13.

Conditions:
Polycystic kidney disease, adult type (PKD1). Also called: Polycystic Kidney Disease 1, Autosomal Dominant; Polycystic kidney disease 1; Polycystic kidney disease 1, severe; POLYCYSTIC KIDNEY DISEASE 1 WITH OR WITHOUT POLYCYSTIC LIVER DISEASE; Polycystic Kidney, Autosomal Dominant; POLYCYSTIC KIDNEY DISEASE, ADULT, TYPE I. Identifiers: MedGen C3149841, MONDO:0008263, OMIM 173900.

Submissions (3):

Fulgent Genetics
Classification: Pathogenic for Polycystic kidney disease, adult type. Last evaluated: 2024-01-13. Review status: criteria provided, single submitter. Criteria: ACMG Guidelines, 2015. Collection method: clinical testing. Allele origin: germline.

Victorian Clinical Genetics Services, Murdoch Childrens Research Institute
Classification: Pathogenic for Polycystic kidney disease, adult type. Last evaluated: 2022-06-24. Review status: criteria provided, single submitter. Criteria: ACMG Guidelines, 2015. Collection method: clinical testing. Allele origin: germline. Inheritance: Autosomal dominant inheritance. Affected: yes.
Comment: Based on the classification scheme VCGS_Germline_v1.3.4, this variant is classified as Pathogenic. Following criteria are met: 0102 - Loss of function is a known mechanism of disease in this gene and is associated with polycystic kidney disease 1 (MIM#173900). (I) 0107 - This gene is associated with autosomal dominant disease. Polycystic kidney disease 1 (MIM#173900) is predominantly caused by monoallelic variants, with rare reports of biallelic variants causing disease (OMIM). (I) 0201 - Variant is predicted to cause nonsense-mediated decay (NMD) and loss of protein (premature termination codon is located at least 54 nucleotides upstream of the final exon-exon junction). (SP) 0251 - This variant is heterozygous. (I) 0301 - Variant is absent from gnomAD (both v2 and v3). (SP) 0701 - Other NMD predicted variants comparable to the one identified in this case have very strong previous evidence for pathogenicity (DECIPHER). (SP) 0801 - This variant has strong previous evidence of pathogenicity in unrelated individuals. This variant has been observed in three individuals with ADPKD in the literature and by two clinical laboratories in ClinVar, and is consistently classified as pathogenic (PMIDs: 30333007, 15772804, 30989420). (SP) 1007 - No published functional evidence has been identified for this variant. (I) 1208 - Inheritance information for this variant is not currently available in this individual. (I) Legend: (SP) - Supporting pathogenic, (I) - Information, (SB) - Supporting benign

ARUP Laboratories, Molecular Genetics and Genomics, ARUP Laboratories
Classification: Pathogenic. Last evaluated: 2017-05-05. Review status: criteria provided, single submitter. Criteria: ARUP Molecular Germline Variant Investigation Process. Collection method: clinical testing. Allele origin: germline.
Comment: The PKD1 c.10724G>A, p.Trp3575Ter variant has been reported in a family with autosomal dominant polycystic kidney disease, and co-segregating with affected individuals (Peltola 2005). It is not observed in the general population databases (1000 Genomes Project, Exome Variant Server, Genome Aggregation Database). The variant introduces a premature termination codon, and is predicted to result in a truncated protein or an absent transcript. Based on the above information, the variant is classified as pathogenic. References: Peltola P et al. Genetics and phenotypic characteristics of autosomal dominant polycystic kidney disease in Finns. J Mol Med (Berl). 2005; 83(8):638-46.

Literature cited by the submitters: PubMed 15772804 (cited by Victorian Clinical Genetics Services, Murdoch Childrens Research Institute); PubMed 30333007 (cited by Victorian Clinical Genetics Services, Murdoch Childrens Research Institute); PubMed 30989420 (cited by Victorian Clinical Genetics Services, Murdoch Childrens Research Institute).

NM_001009944.3(PKD1):c.10724G>A (p.Trp3575Ter)

Genes: PKD1-AS1 (PKD1 antisense RNA 1; plus strand), PKD1 (polycystin 1, transient receptor potential channel interacting; minus strand). Cytogenetic location: 16p13.3.
Variant type: single nucleotide variant.
Coding change: c.10724G>A on transcript NM_001009944.3 (MANE Select); coding-DNA position 10724, G replaced by A.
Protein change: p.Trp3575Ter; replaces tryptophan 3575 with a stop codon.
Molecular consequence: nonsense.
Genome position (GRCh38, 1-based): chr16:2,093,908, C>T on the plus strand (G>A on the coding strand, the complement: PKD1 is on the minus strand). VCF-style: chr16-2093908-C-T. GRCh37 (hg19) VCF-style: chr16-2143909-C-T.
Other names: c.10721G>A, p.Trp3574Ter (NM_000296.4); short protein forms W3574*, W3575*.
Identifiers: ClinVar variation 618307 (VCV000618307.12), dbSNP rs1361283193, ClinGen allele CA394340474.